The following is an entry in ClinVar:

ClinVar aggregate classification (germline): Uncertain significance (1 of 4 stars; one submission).

Conditions:
Hereditary cancer-predisposing syndrome. Also called: Neoplastic Syndromes, Hereditary; Tumor predisposition; Hereditary Cancer Syndrome; Hereditary neoplastic syndrome. Identifiers: Orphanet 140162, MedGen C0027672, MeSH D009386, MONDO:0015356.

Submission:

Ambry Genetics
Classification: Uncertain significance for Hereditary cancer-predisposing syndrome. Last evaluated: 2024-12-06. Review status: criteria provided, single submitter. Criteria: Ambry Variant Classification Scheme 2023. Collection method: clinical testing. Allele origin: germline.
Comment: The p.L902F variant (also known as c.2706G>C), located in coding exon 17 of the PTCH1 gene, results from a G to C substitution at nucleotide position 2706. The leucine at codon 902 is replaced by phenylalanine, an amino acid with highly similar properties. This amino acid position is conserved. In addition, the in silico prediction for this alteration is inconclusive. Based on the available evidence, the clinical significance of this variant remains unclear.

NM_000264.5(PTCH1):c.2706G>C (p.Leu902Phe)

Gene: PTCH1 (patched 1; minus strand). Cytogenetic location: 9q22.32.
Variant type: single nucleotide variant.
Coding change: c.2706G>C on transcript NM_000264.5 (MANE Select); coding-DNA position 2706, G replaced by C.
Protein change: p.Leu902Phe; replaces leucine 902 with phenylalanine.
Molecular consequence: missense variant. On other transcripts: non-coding transcript variant (1).
Genome position (GRCh38, 1-based): chr9:95,459,781, C>G on the plus strand (G>C on the coding strand, the complement: PTCH1 is on the minus strand). VCF-style: chr9-95459781-C-G. GRCh37 (hg19) VCF-style: chr9-98222063-C-G.
Other names: c.2508G>C, p.Leu836Phe (NM_001083602.3); c.2703G>C, p.Leu901Phe (NM_001083603.3); c.2253G>C, p.Leu751Phe (NM_001083604.3, NM_001083605.3, NM_001083606.3 and 1 more transcripts); c.2550G>C, p.Leu850Phe (NM_001354918.2); short protein forms L751F, L836F, L850F, L901F, L902F.
Identifiers: ClinVar variation 3427345 (VCV003427345.1).
Genomic context (GRCh38, chr9:95,459,781, plus strand): 5'-GTAGATGTAGAAAGCGCTGGGATTAATGATGCCATCTGCATCCACCAGACGCTGTTTAGT[C>G]AACTACAAAAACGGGAAGAACAGAGGCCTTTGAGAATGGGGTTGGGGGTAAACACACTTC-3'
Protein context (NP_000255.2, residues 892-912): SRDKPIDISQ[Leu902Phe]TKQRLVDADG